The following is an entry in ClinVar:

NM_003283.6(TNNT1):c.631C>A (p.Pro211Thr)

Gene: TNNT1 (troponin T1, slow skeletal type; minus strand). Cytogenetic location: 19q13.42.
Variant type: single nucleotide variant.
Coding change: c.631C>A on transcript NM_003283.6 (MANE Select); coding-DNA position 631, C replaced by A.
Protein change: p.Pro211Thr; replaces proline 211 with threonine.
Molecular consequence: missense variant. On other transcripts: intron variant (3).
Genome position (GRCh38, 1-based): chr19:55,134,185, G>T on the plus strand (C>A on the coding strand, the complement: TNNT1 is on the minus strand). VCF-style: chr19-55134185-G-T. GRCh37 (hg19) VCF-style: chr19-55645553-G-T.
Other names: c.579-29C>A (NM_001126133.3, NM_001291774.2); c.612-29C>A (NM_001126132.3); c.631C>A (NM_003283.4); short protein forms P211T.
Identifiers: ClinVar variation 656953 (VCV000656953.10), dbSNP rs766147911, ClinGen allele CA407432070.

ClinVar aggregate classification (germline): Uncertain significance. Review status: criteria provided, multiple submitters, no conflicts (2 of 4 stars). 2 submissions from 2 submitters: Uncertain significance (2). Last evaluated 2025-09-27.

Conditions:
Nemaline myopathy 5 (NEM5A). Also called: Nemaline myopathy 5, Amish type; NEMALINE MYOPATHY, AMISH TYPE; NEMALINE MYOPATHY 5A, AUTOSOMAL RECESSIVE, SEVERE INFANTILE. Identifiers: Orphanet 98902, MedGen C1854380, MONDO:0011539, OMIM 605355.
Inborn genetic diseases. Identifiers: MedGen C0950123, MeSH D030342.

Allele frequency attached by ClinVar (database versions not stated): gnomAD exomes 0.00001.
gnomAD v4.1: 14 of 1,581,872 alleles (0.00089%); highest among the groups gnomAD compares: South Asian, 0.0069%; no homozygotes.

Submissions (2):

Ambry Genetics
Classification: Uncertain significance for Inborn genetic diseases. Last evaluated: 2025-09-27. Review status: criteria provided, single submitter. Criteria: Ambry Variant Classification Scheme 2023. Collection method: clinical testing. Allele origin: germline.

Labcorp Genetics (formerly Invitae), Labcorp
Classification: Uncertain significance for Nemaline myopathy 5. Last evaluated: 2019-07-04. Review status: criteria provided, single submitter. Criteria: Invitae Variant Classification Sherloc (09022015). Collection method: clinical testing. Allele origin: germline.
Comment: Algorithms developed to predict the effect of missense changes on protein structure and function are either unavailable or do not agree on the potential impact of this missense change (SIFT: "Deleterious"; PolyPhen-2: "Benign"; Align-GVGD: "Class C0"). This variant has not been reported in the literature in individuals with TNNT1-related disease. This variant is not present in population databases (ExAC no frequency). This sequence change replaces proline with threonine at codon 211 of the TNNT1 protein (p.Pro211Thr). The proline residue is weakly conserved and there is a small physicochemical difference between proline and threonine. In summary, the available evidence is currently insufficient to determine the role of this variant in disease. Therefore, it has been classified as a Variant of Uncertain Significance.